The following is an entry in ClinVar:

NM_016026.4(RDH11):c.921C>T (p.Asp307=)

Genes: GPHN (gephyrin; plus strand), RDH11 (retinol dehydrogenase 11; minus strand). Cytogenetic location: 14q24.1.
Variant type: single nucleotide variant.
Coding change: c.921C>T on transcript NM_016026.4 (MANE Select); coding-DNA position 921, C replaced by T.
Protein change: p.Asp307=; no amino-acid change (aspartic acid 307 retained).
Molecular consequence: synonymous variant.
Genome position (GRCh38, 1-based): chr14:67,678,357, G>A on the plus strand (C>T on the coding strand, the complement: RDH11 is on the minus strand). VCF-style: chr14-67678357-G-A. GRCh37 (hg19) VCF-style: chr14-68145074-G-A.
Other names: c.711C>T, p.Asp237= (NM_001252650.2).
Identifiers: ClinVar variation 719543 (VCV000719543.15), dbSNP rs113950753, ClinGen allele CA7238262.

ClinVar aggregate classification (germline): Benign/Likely benign. Review status: criteria provided, multiple submitters, no conflicts (2 of 4 stars). 4 submissions from 4 submitters: Benign (2); Likely benign (1). 1 of the submissions does not count toward it. Last evaluated 2026-01-06.

Conditions:
RDH11-related disorder. Also called: RDH11-related condition.

Allele frequency attached by ClinVar (database versions not stated): gnomAD exomes 0.00014 and 0.00031; ExAC 0.00049; 1000 Genomes Project 0.00080; 1000 Genomes Project 30x 0.00094; gnomAD 0.00152 and 0.00165; TOPMed 0.00168; ESP Exome Variant Server 0.00223.
gnomAD v4.1: 445 of 1,614,000 alleles (0.028%); highest among the groups gnomAD compares: African/African-American, 0.51%; 3 homozygotes.

Submissions (4):

Labcorp Genetics (formerly Invitae), Labcorp
Classification: Benign. Last evaluated: 2026-01-06. Review status: criteria provided, single submitter. Criteria: Invitae Variant Classification Sherloc (09022015). Collection method: clinical testing. Allele origin: germline.

Blueprint Genetics
Classification: Likely benign. Last evaluated: 2024-07-14. Review status: criteria provided, single submitter. Criteria: ACMG Guidelines, 2015. Collection method: clinical testing. Allele origin: germline.

Breakthrough Genomics
Classification: Benign. Review status: criteria provided, single submitter. Criteria: ACMG Guidelines, 2015. Collection method: not provided. Allele origin: germline. Inheritance: Autosomal recessive inheritance. Affected: yes.

PreventionGenetics, part of Exact Sciences
Classification: Likely benign for RDH11-related condition. Last evaluated: 2019-10-31. Review status: no assertion criteria provided. Collection method: clinical testing. Allele origin: germline. Not counted in ClinVar's aggregate classification.
Comment: This variant is classified as likely benign based on ACMG/AMP sequence variant interpretation guidelines (Richards et al. 2015 PMID: 25741868, with internal and published modifications).